The following is an entry in ClinVar:

ClinVar aggregate classification (germline): Uncertain significance. Review status: criteria provided, multiple submitters, no conflicts (2 of 4 stars). 2 submissions from 2 submitters: Uncertain significance (2). Last evaluated 2025-12-27.

Allele frequency attached by ClinVar (database versions not stated): ExAC 0.00001; gnomAD 0.00001; gnomAD exomes 0.00001; TOPMed 0.00002.
gnomAD v4.1: 18 of 1,613,756 alleles (0.0011%); highest among the groups gnomAD compares: Admixed American, 0.0067%; no homozygotes.

Submissions (2):

Labcorp Genetics (formerly Invitae), Labcorp
Classification: Uncertain significance. Last evaluated: 2025-12-27. Review status: criteria provided, single submitter. Criteria: Invitae Variant Classification Sherloc (09022015). Collection method: clinical testing. Allele origin: germline.
Comment: This sequence change replaces arginine, which is basic and polar, with cysteine, which is neutral and slightly polar, at codon 478 of the POLD2 protein (p.Arg478Cys). This variant is present in population databases (rs775621069, gnomAD 0.01%). This variant has not been reported in the literature in individuals affected with POLD2-related conditions. ClinVar contains an entry for this variant (Variation ID: 2417959). Experimental studies and prediction algorithms are not available or were not evaluated, and the functional significance of this variant is currently unknown. In summary, the available evidence is currently insufficient to determine the role of this variant in disease. Therefore, it has been classified as a Variant of Uncertain Significance.

Ambry Genetics
Classification: Uncertain significance. Last evaluated: 2025-10-18. Review status: criteria provided, single submitter. Criteria: Ambry Variant Classification Scheme 2023. Collection method: clinical testing. Allele origin: germline.

NM_006230.4(POLD2):c.1327C>T (p.Arg443Cys)

Gene: POLD2 (DNA polymerase delta 2, accessory subunit; minus strand). Cytogenetic location: 7p13.
Variant type: single nucleotide variant.
Coding change: c.1327C>T on transcript NM_006230.4 (MANE Select); coding-DNA position 1327, C replaced by T.
Protein change: p.Arg443Cys; replaces arginine 443 with cysteine.
Molecular consequence: missense variant.
Genome position (GRCh38, 1-based): chr7:44,114,868, G>A on the plus strand (C>T on the coding strand, the complement: POLD2 is on the minus strand). VCF-style: chr7-44114868-G-A. GRCh37 (hg19) VCF-style: chr7-44154467-G-A.
Other names: c.1327C>T, p.Arg443Cys (NM_001127218.3, NM_001256879.2); c.1327C>T (NM_001127218.1); short protein forms R443C.
Identifiers: ClinVar variation 2417959 (VCV002417959.7), dbSNP rs775621069, ClinGen allele CA4238549.